The following is an entry in ClinVar:

ClinVar aggregate classification (germline): Uncertain significance (1 of 4 stars; one submission).

Conditions:
Glycogen storage disease, type II (IOPD). Also called: Pompe Disease; CARDIOMEGALIA GLYCOGENICA DIFFUSA; GLYCOGENOSIS, GENERALIZED, CARDIAC FORM; GSD II; POMPE DISEASE, INFANTILE-ONSET; GLYCOGEN STORAGE DISEASE II, INFANTILE-ONSET. Identifiers: Orphanet 365, MedGen C0017921, MONDO:0009290, OMIM 232300.

Submission:

Genomenon, Inc
Classification: Uncertain significance for Glycogen storage disease, type II. Last evaluated: 2026-07-01. Review status: criteria provided, single submitter. Criteria: Genomenon Sequence Variant Interpretation Standards - Updated. Collection method: curation. Allele origin: germline. Affected: yes.
Comment: GAA p.Asn673Lys (c.2019C>A) is a missense variant that changes the amino acid at codon 673 from Asparagine to Lysine. This variant has been observed in at least one proband with a GAA-related disorder in the compound heterozygous and/or homozygous state (PMID:25085675). It is absent or not present at a significant frequency in gnomAD. In silico models predict that this variant is possibly or probably damaging. In conclusion, we classify GAA p.Asn673Lys (c.2019C>A) as a variant of uncertain significance.

Literature cited by the submitters: PubMed 25085675.

NM_000152.5(GAA):c.2019C>A (p.Asn673Lys)

Gene: GAA (alpha glucosidase; plus strand). Cytogenetic location: 17q25.3.
Variant type: single nucleotide variant.
Coding change: c.2019C>A on transcript NM_000152.5 (MANE Select); coding-DNA position 2019, C replaced by A.
Protein change: p.Asn673Lys; replaces asparagine 673 with lysine.
Molecular consequence: missense variant.
Genome position (GRCh38, 1-based): chr17:80,113,006, C>A. VCF-style: chr17-80113006-C-A. GRCh37 (hg19) VCF-style: chr17-78086805-C-A.
Other names: c.2019C>A, p.Asn673Lys (NM_001079803.3, NM_001079804.3, NM_001406741.1 and 1 more transcripts); short protein forms N673K.
Identifiers: ClinVar variation 4876623 (VCV004876623.1).